The following is an entry in ClinVar:

NM_002546.4(TNFRSF11B):c.559G>A (p.Gly187Arg)

Gene: TNFRSF11B (TNF receptor superfamily member 11b; minus strand). Cytogenetic location: 8q24.12.
Variant type: single nucleotide variant.
Coding change: c.559G>A on transcript NM_002546.4 (MANE Select); coding-DNA position 559, G replaced by A.
Protein change: p.Gly187Arg; replaces glycine 187 with arginine.
Molecular consequence: missense variant.
Genome position (GRCh38, 1-based): chr8:118,928,771, C>T on the plus strand (G>A on the coding strand, the complement: TNFRSF11B is on the minus strand). VCF-style: chr8-118928771-C-T. GRCh37 (hg19) VCF-style: chr8-119941010-C-T.
Other names: c.559G>A (NM_002546.3); short protein forms G187R.
Identifiers: ClinVar variation 1431987 (VCV001431987.8), dbSNP rs372458728, ClinGen allele CA4854889.

ClinVar aggregate classification (germline): Uncertain significance. Review status: criteria provided, multiple submitters, no conflicts (2 of 4 stars). 3 submissions from 3 submitters: Uncertain significance (3). Last evaluated 2025-06-22.

Conditions:
Inborn genetic diseases. Identifiers: MedGen C0950123, MeSH D030342.

Allele frequency attached by ClinVar (database versions not stated): ExAC 0.00003; TOPMed 0.00003; gnomAD 0.00004 and 0.00005; gnomAD exomes 0.00004; ESP Exome Variant Server 0.00015.
gnomAD v4.1: 176 of 1,614,022 alleles (0.011%); highest among the groups gnomAD compares: Non-Finnish European, 0.014%; no homozygotes.

Submissions (3):

Ambry Genetics
Classification: Uncertain significance for Inborn genetic diseases. Last evaluated: 2025-06-22. Review status: criteria provided, single submitter. Criteria: Ambry Variant Classification Scheme 2023. Collection method: clinical testing. Allele origin: germline.

Labcorp Genetics (formerly Invitae), Labcorp
Classification: Uncertain significance. Last evaluated: 2025-03-17. Review status: criteria provided, single submitter. Criteria: Invitae Variant Classification Sherloc (09022015). Collection method: clinical testing. Allele origin: germline.
Comment: This sequence change replaces glycine, which is neutral and non-polar, with arginine, which is basic and polar, at codon 187 of the TNFRSF11B protein (p.Gly187Arg). This variant is present in population databases (rs372458728, gnomAD 0.009%). This variant has not been reported in the literature in individuals affected with TNFRSF11B-related conditions. ClinVar contains an entry for this variant (Variation ID: 1431987). Invitae Evidence Modeling of protein sequence and biophysical properties (such as structural, functional, and spatial information, amino acid conservation, physicochemical variation, residue mobility, and thermodynamic stability) indicates that this missense variant is not expected to disrupt TNFRSF11B protein function with a negative predictive value of 80%. In summary, the available evidence is currently insufficient to determine the role of this variant in disease. Therefore, it has been classified as a Variant of Uncertain Significance.

Blueprint Genetics
Classification: Uncertain significance. Last evaluated: 2024-10-31. Review status: criteria provided, single submitter. Criteria: ACMG Guidelines, 2015. Collection method: clinical testing. Allele origin: germline.